The following is an entry in ClinVar:

NM_007294.3(BRCA1):c.-1648T>C

Genes: NBR2 (neighbor of BRCA1 lncRNA 2; plus strand), BRCA1 (BRCA1 DNA repair associated; minus strand), LOC111589215 (BRCA1 promoter region; plus strand). Cytogenetic location: 17q21.31.
Variant type: single nucleotide variant.
Coding change: c.-1648T>C on transcript NM_007294.3; 1648 bases upstream of the start codon, T replaced by C.
Molecular consequence: intron variant (on NM_001408458.1).
Genome position (GRCh38, 1-based): chr17:43,126,899, A>G on the plus strand (T>C on the coding strand, the complement: BRCA1 is on the minus strand). VCF-style: chr17-43126899-A-G. GRCh37 (hg19) VCF-style: chr17-41278916-A-G.
Other names: -1529 T>C; c.-61-11120T>C (NM_001408458.1).
Identifiers: ClinVar variation 209587 (VCV000209587.3), dbSNP rs799908, ClinGen allele CA276556.

ClinVar aggregate classification (germline): Benign (3 of 4 stars; one submission).

Conditions:
Breast-ovarian cancer, familial, susceptibility to, 1 (BROVCA1). Also called: OVARIAN CANCER, SUSCEPTIBILITY TO; BRCA1 Hereditary Breast and Ovarian Cancer. Identifiers: Orphanet 145, MedGen C2676676, MONDO:0011450, OMIM 604370. Disease mechanism: loss of function.

Allele frequency attached by ClinVar (database versions not stated): 1000 Genomes Project 0.50319; 1000 Genomes Project 30x 0.50500; TOPMed 0.45549; gnomAD 0.45356 and 0.45434.
gnomAD v4.1: 68,694 of 151,910 alleles (45%); highest among the groups gnomAD compares: African/African-American, 69%; 17,305 homozygotes.

Submission:

Evidence-based Network for the Interpretation of Germline Mutant Alleles (ENIGMA)
Classification: Benign for Breast-ovarian cancer, familial 1. Last evaluated: 2015-01-12. Review status: reviewed by expert panel. Criteria: ENIGMA BRCA1/2 Classification Criteria (2015). Collection method: curation. Allele origin: germline.
Comment: Class 1 not pathogenic based on frequency >1% in an outbred sampleset. Frequency 0.33 (Asian), 0.71 (African), 0.36 (European), derived from 1000 genomes (2012-04-30).